The following is an entry in ClinVar:

ClinVar aggregate classification (germline): Uncertain significance. Review status: criteria provided, multiple submitters, no conflicts (2 of 4 stars). 3 submissions from 3 submitters: Uncertain significance (3). Last evaluated 2025-09-29.

Conditions:
Short-rib thoracic dysplasia 10 with or without polydactyly (SRTD10). Identifiers: Orphanet 474, MedGen C3810175, MONDO:0014284, OMIM 615630.
Bardet-Biedl syndrome 20. Identifiers: MedGen C4310707, MONDO:0023670, OMIM 619471, MONDO:0014926.
Retinitis pigmentosa 71 (RP71). Identifiers: Orphanet 791, MedGen C4225342, MONDO:0014618, OMIM 616394.
IFT172-related disorder. Also called: IFT172-related disorders; IFT172-related condition.
Inborn genetic diseases. Identifiers: MedGen C0950123, MeSH D030342.

gnomAD v4.1: 7 of 1,613,130 alleles (0.00043%); highest among the groups gnomAD compares: African/African-American, 0.008%; no homozygotes.

Submissions (3):

PreventionGenetics, part of Exact Sciences
Classification: Uncertain significance for IFT172-related condition. Last evaluated: 2025-09-29. Review status: criteria provided, single submitter. Criteria: ACMG Guidelines, 2015. Collection method: clinical testing. Allele origin: germline.
Comment: The IFT172 c.791G>T variant is predicted to result in the amino acid substitution p.Arg264Leu. To our knowledge, this variant has not been reported in the literature. This variant is reported in 0.0062% of alleles in individuals of African descent in gnomAD. At this time, the clinical significance of this variant is uncertain due to the absence of conclusive functional and genetic evidence.

Ambry Genetics
Classification: Uncertain significance for Inborn genetic diseases. Last evaluated: 2025-08-13. Review status: criteria provided, single submitter. Criteria: Ambry Variant Classification Scheme 2023. Collection method: clinical testing. Allele origin: germline.

Fulgent Genetics
Classification: Uncertain significance for Short-rib thoracic dysplasia 10 with or without polydactyly; Retinitis pigmentosa 71; Bardet-Biedl syndrome 20. Last evaluated: 2024-04-01. Review status: criteria provided, single submitter. Criteria: ACMG Guidelines, 2015. Collection method: clinical testing. Allele origin: germline.

NM_015662.3(IFT172):c.791G>T (p.Arg264Leu)

Gene: IFT172 (intraflagellar transport 172; minus strand). Cytogenetic location: 2p23.3.
Variant type: single nucleotide variant.
Coding change: c.791G>T on transcript NM_015662.3 (MANE Select); coding-DNA position 791, G replaced by T.
Protein change: p.Arg264Leu; replaces arginine 264 with leucine.
Molecular consequence: missense variant.
Genome position (GRCh38, 1-based): chr2:27,480,144, C>A on the plus strand (G>T on the coding strand, the complement: IFT172 is on the minus strand). VCF-style: chr2-27480144-C-A. GRCh37 (hg19) VCF-style: chr2-27703011-C-A.
Other names: c.791G>T (NM_015662.2, NM_015662.1); c.791G>T, p.Arg264Leu (NM_001410739.1); short protein forms R264L.
Identifiers: ClinVar variation 3586371 (VCV003586371.3).